The following is an entry in ClinVar:

ClinVar aggregate classification (germline): Uncertain significance. Review status: criteria provided, multiple submitters, no conflicts (2 of 4 stars). 2 submissions from 2 submitters: Uncertain significance (2). Last evaluated 2025-08-27.

gnomAD v4.1: 1 of 1,613,166 alleles (0.000062%); highest among the groups gnomAD compares: Admixed American, 0.0017%; no homozygotes.

Submissions (2):

Labcorp Genetics (formerly Invitae), Labcorp
Classification: Uncertain significance. Last evaluated: 2025-08-27. Review status: criteria provided, single submitter. Criteria: Invitae Variant Classification Sherloc (09022015). Collection method: clinical testing. Allele origin: germline.
Comment: This sequence change replaces alanine, which is neutral and non-polar, with glycine, which is neutral and non-polar, at codon 894 of the MYH3 protein (p.Ala894Gly). This variant is not present in population databases (gnomAD no frequency). This variant has not been reported in the literature in individuals affected with MYH3-related conditions. An algorithm developed to predict the effect of missense changes on protein structure and function (PolyPhen-2) suggests that this variant is likely to be tolerated. Algorithms developed to predict the effect of sequence changes on RNA splicing suggest that this variant may create or strengthen a splice site. In summary, the available evidence is currently insufficient to determine the role of this variant in disease. Therefore, it has been classified as a Variant of Uncertain Significance.

Dasa
Classification: Uncertain significance. Last evaluated: 2025-05-28. Review status: criteria provided, single submitter. Criteria: DASA Assertion Criteria. Collection method: clinical testing. Allele origin: germline.
Comment: NM_002470.4(MYH3):c.2681C>G (p.Ala894Gly) is a missense variant that results in the substitution of alanine with glycine. This variant is rare in population databases. The currently available literature and clinical evidence are not sufficient to establish a definitive association between this variant and the reported condition. Therefore, this variant is classified as a variant of uncertain significance.

NM_002470.4(MYH3):c.2681C>G (p.Ala894Gly)

Gene: MYH3 (myosin heavy chain 3; minus strand). Cytogenetic location: 17p13.1.
Variant type: single nucleotide variant.
Coding change: c.2681C>G on transcript NM_002470.4 (MANE Select); coding-DNA position 2681, C replaced by G.
Protein change: p.Ala894Gly; replaces alanine 894 with glycine.
Molecular consequence: missense variant.
Genome position (GRCh38, 1-based): chr17:10,639,997, G>C on the plus strand (C>G on the coding strand, the complement: MYH3 is on the minus strand). VCF-style: chr17-10639997-G-C. GRCh37 (hg19) VCF-style: chr17-10543314-G-C.
Other names: short protein forms A894G.
Identifiers: ClinVar variation 4692685 (VCV004692685.3).
Genomic context (GRCh38, chr17:10,639,997, plus strand): 5'-TAAATAAATAATCAAATCTAGAAGAGTTAAAAAAAAAAAAAAGATTGCTAAACACGTACA[G>C]CTTGTACTTGGAGCTGCAGGTCATTCTTCTCTTGGACCAGAGTCACCAGTTTTTCCTCTA-3'
Protein context (NP_002461.2, residues 884-904): EKNDLQLQVQ[Ala894Gly]ESENLLDAEE